The following is an entry in ClinVar:

ClinVar aggregate classification (germline): Uncertain significance (1 of 4 stars; one submission).

Conditions:
Epidermodysplasia verruciformis. Identifiers: Orphanet 302, MedGen C0014522, MONDO:0009176.

Allele frequency attached by ClinVar (database versions not stated): TOPMed 0.00002; ExAC 0.00003; gnomAD 0.00001.
gnomAD v4.1: 6 of 1,578,276 alleles (0.00038%); highest among the groups gnomAD compares: South Asian, 0.0023%; no homozygotes.

Submission:

Labcorp Genetics (formerly Invitae), Labcorp
Classification: Uncertain significance for Epidermodysplasia verruciformis. Last evaluated: 2021-11-22. Review status: criteria provided, single submitter. Criteria: Invitae Variant Classification Sherloc (09022015). Collection method: clinical testing. Allele origin: germline.
Comment: In summary, the available evidence is currently insufficient to determine the role of this variant in disease. Therefore, it has been classified as a Variant of Uncertain Significance. Algorithms developed to predict the effect of missense changes on protein structure and function output the following: SIFT: "Not Available"; PolyPhen-2: "Benign"; Align-GVGD: "Not Available". The glutamine amino acid residue is found in multiple mammalian species, which suggests that this missense change does not adversely affect protein function. This variant has not been reported in the literature in individuals affected with TMC6-related conditions. The frequency data for this variant in the population databases is considered unreliable, as metrics indicate poor data quality at this position in the gnomAD database. This sequence change replaces arginine, which is basic and polar, with glutamine, which is neutral and polar, at codon 685 of the TMC6 protein (p.Arg685Gln).

NM_001127198.5(TMC6):c.2054G>A (p.Arg685Gln)

Gene: TMC6 (transmembrane channel like 6; minus strand). Cytogenetic location: 17q25.3.
Variant type: single nucleotide variant.
Coding change: c.2054G>A on transcript NM_001127198.5 (MANE Select); coding-DNA position 2054, G replaced by A.
Protein change: p.Arg685Gln; replaces arginine 685 with glutamine.
Molecular consequence: missense variant. On other transcripts: non-coding transcript variant (4).
Genome position (GRCh38, 1-based): chr17:78,117,612, C>T on the plus strand (G>A on the coding strand, the complement: TMC6 is on the minus strand). VCF-style: chr17-78117612-C-T. GRCh37 (hg19) VCF-style: chr17-76113693-C-T.
Other names: c.2054G>A, p.Arg685Gln (NM_001321185.1, NM_001374596.1, NM_001375353.1 and 2 more transcripts); c.1874G>A, p.Arg625Gln (NM_001374593.1, NM_001374594.1); short protein forms R685Q, R625Q.
Identifiers: ClinVar variation 1408219 (VCV001408219.4), dbSNP rs779661812, ClinGen allele CA8795444.